The following is an entry in ClinVar:

NM_199355.4(ADAMTS18):c.1598G>C (p.Ser533Thr)

Gene: ADAMTS18 (ADAM metallopeptidase with thrombospondin type 1 motif 18; minus strand). Cytogenetic location: 16q23.1.
Variant type: single nucleotide variant.
Coding change: c.1598G>C on transcript NM_199355.4 (MANE Select); coding-DNA position 1598, G replaced by C.
Protein change: p.Ser533Thr; replaces serine 533 with threonine.
Molecular consequence: missense variant.
Genome position (GRCh38, 1-based): chr16:77,353,749, C>G on the plus strand (G>C on the coding strand, the complement: ADAMTS18 is on the minus strand). VCF-style: chr16-77353749-C-G. GRCh37 (hg19) VCF-style: chr16-77387646-C-G.
Other names: c.1082G>C, p.Ser361Thr (NM_001326358.2); short protein forms S361T, S533T.
Identifiers: ClinVar variation 1055049 (VCV001055049.5), dbSNP rs748649287, ClinGen allele CA8181261.

ClinVar aggregate classification (germline): Uncertain significance (1 of 4 stars; one submission).

Allele frequency attached by ClinVar (database versions not stated): TOPMed 0.00002; gnomAD exomes 0.00003 and 0.00007; ExAC 0.00007.
gnomAD v4.1: 17 of 1,614,198 alleles (0.0011%); highest among the groups gnomAD compares: Admixed American, 0.028%; no homozygotes.

Submission:

Labcorp Genetics (formerly Invitae), Labcorp
Classification: Uncertain significance. Last evaluated: 2022-07-05. Review status: criteria provided, single submitter. Criteria: Invitae Variant Classification Sherloc (09022015). Collection method: clinical testing. Allele origin: germline.
Comment: This variant has not been reported in the literature in individuals affected with ADAMTS18-related conditions. In summary, the available evidence is currently insufficient to determine the role of this variant in disease. Therefore, it has been classified as a Variant of Uncertain Significance. Algorithms developed to predict the effect of missense changes on protein structure and function are either unavailable or do not agree on the potential impact of this missense change (SIFT: "Not Available"; PolyPhen-2: "Benign"; Align-GVGD: "Not Available"). ClinVar contains an entry for this variant (Variation ID: 1055049). This variant is present in population databases (rs748649287, gnomAD 0.06%). This sequence change replaces serine with threonine at codon 533 of the ADAMTS18 protein (p.Ser533Thr). The serine residue is moderately conserved and there is a small physicochemical difference between serine and threonine.